The following is an entry in ClinVar:

ClinVar aggregate classification (germline): Conflicting classifications of pathogenicity. Review status: criteria provided, conflicting classifications (1 of 4 stars). 5 submissions from 5 submitters: Uncertain significance (1); Benign (3); Likely benign (1). Last evaluated 2023-08-04.

Conditions:
Absence seizure. Also called: Absence epilepsy. Identifiers: Orphanet 1941, MedGen C0014553.
Myoclonic epilepsy, juvenile, susceptibility to, 1. Also called: Myoclonic Epilepsy, Juvenile, 1; EJM1. Identifiers: MedGen C1850778, MONDO:0020752, OMIM 254770.

Allele frequency attached by ClinVar (database versions not stated): gnomAD 0.00006 and 0.00030; TOPMed 0.00011; ESP Exome Variant Server 0.00015; gnomAD exomes 0.00075 and 0.00146; ExAC 0.00174; 1000 Genomes Project 30x 0.00203; 1000 Genomes Project 0.00220.
gnomAD v4.1: 1,156 of 1,614,168 alleles (0.072%); highest among the groups gnomAD compares: South Asian, 1.1%; 32 homozygotes.

Submissions (5):

Labcorp Genetics (formerly Invitae), Labcorp
Classification: Benign for Myoclonic epilepsy, juvenile, susceptibility to, 1; Absence seizure. Last evaluated: 2023-08-04. Review status: criteria provided, single submitter. Criteria: Invitae Variant Classification Sherloc (09022015). Collection method: clinical testing. Allele origin: germline.

Athena Diagnostics
Classification: Benign. Last evaluated: 2018-04-11. Review status: criteria provided, single submitter. Criteria: Athena Diagnostics Criteria. Collection method: clinical testing. Allele origin: germline.

GeneDx
Classification: Likely benign. Last evaluated: 2015-10-06. Review status: criteria provided, single submitter. Criteria: GeneDx Variant Classification (06012015). Collection method: clinical testing. Allele origin: germline. Affected: yes.
Comment: This variant is considered likely benign or benign based on one or more of the following criteria: it is a conservative change, it occurs at a poorly conserved position in the protein, it is predicted to be benign by multiple in silico algorithms, and/or has population frequency not consistent with disease.

Eurofins Ntd Llc (ga)
Classification: Benign. Last evaluated: 2015-01-07. Review status: criteria provided, single submitter. Criteria: EGL Classification Definitions 2015. Collection method: clinical testing. Allele origin: germline. Observed: 1 variant allele, 1 heterozygote.

Genetic Services Laboratory, University of Chicago
Classification: Uncertain significance. Last evaluated: 2013-10-02. Review status: criteria provided, single submitter. Criteria: ACMG Guidelines, 2007. Collection method: clinical testing. Allele origin: germline.

NM_018100.4(EFHC1):c.1812A>C (p.Glu604Asp)

Gene: EFHC1 (EF-hand domain containing 1; plus strand). Cytogenetic location: 6p12.2.
Variant type: single nucleotide variant.
Coding change: c.1812A>C on transcript NM_018100.4 (MANE Select); coding-DNA position 1812, A replaced by C.
Protein change: p.Glu604Asp; replaces glutamic acid 604 with aspartic acid.
Molecular consequence: missense variant. On other transcripts: non-coding transcript variant (1).
Genome position (GRCh38, 1-based): chr6:52,490,311, A>C. VCF-style: chr6-52490311-A-C. GRCh37 (hg19) VCF-style: chr6-52355109-A-C.
Other names: p.E604D:GAA>GAC; c.1755A>C, p.Glu585Asp (NM_001172420.2); short protein forms E604D, E585D.
Identifiers: ClinVar variation 128964 (VCV000128964.24), dbSNP rs369503191, ClinGen allele CA231078.